The following is an entry in ClinVar:

NM_015450.3(POT1):c.1309C>G (p.His437Asp)

Gene: POT1 (protection of telomeres 1; minus strand). Cytogenetic location: 7q31.33.
Variant type: single nucleotide variant.
Coding change: c.1309C>G on transcript NM_015450.3 (MANE Select); coding-DNA position 1309, C replaced by G.
Protein change: p.His437Asp; replaces histidine 437 with aspartic acid.
Molecular consequence: missense variant. On other transcripts: non-coding transcript variant (3).
Genome position (GRCh38, 1-based): chr7:124,841,033, G>C on the plus strand (C>G on the coding strand, the complement: POT1 is on the minus strand). VCF-style: chr7-124841033-G-C. GRCh37 (hg19) VCF-style: chr7-124481087-G-C.
Other names: c.916C>G, p.His306Asp (NM_001042594.2); short protein forms H306D, H437D.
Identifiers: ClinVar variation 2115681 (VCV002115681.4), dbSNP rs2485394406, ClinGen allele CA369066953.
Genomic context (GRCh38, chr7:124,841,033, plus strand): 5'-CTTCTATCAAAAGTAGACATTCATTTGAAAGCGGGAGAATACCATTATTTTTCACAAAAT[G>C]AACTGCTACTTTTCGTCCTTTTTGATTTTTAGTGGTCCAGATTTTTGAATCATATAATGA-3'
Protein context (NP_056265.2, residues 427-447): KNQKGRKVAV[His437Asp]FVKNNGILPL

ClinVar aggregate classification (germline): Uncertain significance (1 of 4 stars; one submission).

Conditions:
Tumor predisposition syndrome 3 (TPDS3). Also called: Melanoma, cutaneous malignant, susceptibility to, 10; Glioma susceptibility 9; LONG TELOMERE SYNDROME, POT1-RELATED; POT1 Tumor Predisposition. Identifiers: Orphanet 618, MedGen C4014476, MONDO:0014368, OMIM 615848.

Submission:

Labcorp Genetics (formerly Invitae), Labcorp
Classification: Uncertain significance for Tumor predisposition syndrome 3. Last evaluated: 2023-02-23. Review status: criteria provided, single submitter. Criteria: Invitae Variant Classification Sherloc (09022015). Collection method: clinical testing. Allele origin: germline.
Comment: In summary, the available evidence is currently insufficient to determine the role of this variant in disease. Therefore, it has been classified as a Variant of Uncertain Significance. Advanced modeling of protein sequence and biophysical properties (such as structural, functional, and spatial information, amino acid conservation, physicochemical variation, residue mobility, and thermodynamic stability) performed at Invitae indicates that this missense variant is not expected to disrupt POT1 protein function. This variant has not been reported in the literature in individuals affected with POT1-related conditions. This variant is not present in population databases (gnomAD no frequency). This sequence change replaces histidine, which is basic and polar, with aspartic acid, which is acidic and polar, at codon 437 of the POT1 protein (p.His437Asp).